The following is an entry in ClinVar:

ClinVar aggregate classification (germline): Uncertain significance. Review status: no assertion criteria provided (0 of 4 stars). 2 submissions from 1 submitter: Uncertain significance (1). 1 of the submissions does not count toward it.

Submissions (2):

Richard Lifton Laboratory, Yale University School of Medicine
Classification: Uncertain significance. Review status: no assertion criteria provided. Collection method: not provided. Allele origin: somatic.
Comment: TERT:p.P785Q
ClinVar note: Converted during submission from unknown to Uncertain significance.

Richard Lifton Laboratory, Yale University School of Medicine
Classification: Uncertain significance. Review status: flagged submission. Collection method: not provided. Allele origin: somatic. Not counted in ClinVar's aggregate classification.
ClinVar note: Converted during submission from unknown to Uncertain significance.
ClinVar note: Reason: This record appears to be redundant with a more recent record from the same submitter.
ClinVar note: Notes: SCV000120119 appears to be redundant with SCV000155223.

NM_198253.3(TERT):c.2354C>A (p.Pro785Gln)

Gene: TERT (telomerase reverse transcriptase; minus strand). Cytogenetic location: 5p15.33.
Variant type: single nucleotide variant.
Coding change: c.2354C>A on transcript NM_198253.3 (MANE Select); coding-DNA position 2354, C replaced by A.
Protein change: p.Pro785Gln; replaces proline 785 with glutamine.
Molecular consequence: missense variant.
Genome position (GRCh38, 1-based): chr5:1,272,213, G>T on the plus strand (C>A on the coding strand, the complement: TERT is on the minus strand). VCF-style: chr5-1272213-G-T. GRCh37 (hg19) VCF-style: chr5-1272328-G-T.
Other names: c.2354C>A, p.Pro785Gln (NM_001193376.3); short protein forms P785Q.
Identifiers: ClinVar variation 100894 (VCV000100894.2), dbSNP rs483352771, ClinGen allele CA229215.